The following is an entry in ClinVar:

NM_003982.4(SLC7A7):c.375C>T (p.Leu125=)

Gene: SLC7A7 (solute carrier family 7 member 7; minus strand). Cytogenetic location: 14q11.2.
Variant type: single nucleotide variant.
Coding change: c.375C>T on transcript NM_003982.4 (MANE Select); coding-DNA position 375, C replaced by T.
Protein change: p.Leu125=; no amino-acid change (leucine 125 retained).
Molecular consequence: synonymous variant.
Genome position (GRCh38, 1-based): chr14:22,813,024, G>A on the plus strand (C>T on the coding strand, the complement: SLC7A7 is on the minus strand). VCF-style: chr14-22813024-G-A. GRCh37 (hg19) VCF-style: chr14-23282233-G-A.
Other names: c.375C>T, p.Leu125= (NM_001126105.3, NM_001126106.4).
Identifiers: ClinVar variation 682538 (VCV000682538.1), dbSNP rs199724860, ClinGen allele CA485751825.

ClinVar aggregate classification (germline): Likely benign (1 of 4 stars; one submission).

gnomAD v4.1: 4 of 1,613,990 alleles (0.00025%); highest among the groups gnomAD compares: African/African-American, 0.0013%; no homozygotes.

Submission:

GeneDx
Classification: Likely benign. Last evaluated: 2018-05-17. Review status: criteria provided, single submitter. Criteria: GeneDx Variant Classification (06012015). Collection method: clinical testing. Allele origin: germline. Affected: yes.
Comment: This variant is considered likely benign or benign based on one or more of the following criteria: it is a conservative change, it occurs at a poorly conserved position in the protein, it is predicted to be benign by multiple in silico algorithms, and/or has population frequency not consistent with disease.